The following is an entry in ClinVar:

ClinVar aggregate classification (germline): Uncertain significance (1 of 4 stars; one submission).

Conditions:
Cardiovascular phenotype. Identifiers: MedGen CN230736.

Submission:

Ambry Genetics
Classification: Uncertain significance for Cardiovascular phenotype. Last evaluated: 2022-03-22. Review status: criteria provided, single submitter. Criteria: Ambry Variant Classification Scheme 2023. Collection method: clinical testing. Allele origin: germline.
Comment: The p.S60R variant (also known as c.180T>A), located in coding exon 3 of the APOB gene, results from a T to A substitution at nucleotide position 180. The serine at codon 60 is replaced by arginine, an amino acid with dissimilar properties. This amino acid position is conserved. In addition, the in silico prediction for this alteration is inconclusive. Since supporting evidence is limited at this time, the clinical significance of this alteration remains unclear.

NM_000384.3(APOB):c.180T>A (p.Ser60Arg)

Genes: APOB (apolipoprotein B; minus strand), LOC106560211 (APOB 5' regulatory region; plus strand). Cytogenetic location: 2p24.1.
Variant type: single nucleotide variant.
Coding change: c.180T>A on transcript NM_000384.3 (MANE Select); coding-DNA position 180, T replaced by A.
Protein change: p.Ser60Arg; replaces serine 60 with arginine.
Molecular consequence: missense variant.
Genome position (GRCh38, 1-based): chr2:21,042,418, A>T on the plus strand (T>A on the coding strand, the complement: APOB is on the minus strand). VCF-style: chr2-21042418-A-T. GRCh37 (hg19) VCF-style: chr2-21265290-A-T.
Other names: short protein forms S60R.
Identifiers: ClinVar variation 1780564 (VCV001780564.2), dbSNP rs1225537247, ClinGen allele CA345965171.
Genomic context (GRCh38, chr2:21,042,418, plus strand): 5'-TACCTTGCAGTTGATCCTGGTGGCACTTCTTGAATCAGCAGTCCCAGGGACTCCACTGGA[A>T]CTCTCAGCCTCATAGTTGTATGTGTACTTCCGGAGGTGCTTGAATCGGGTCGCATCTTCT-3'
Protein context (NP_000375.3, residues 50-70): RKYTYNYEAE[Ser60Arg]SSGVPGTADS